The following is an entry in ClinVar:

ClinVar aggregate classification (germline): Uncertain significance (1 of 4 stars; one submission).

gnomAD v4.1: 12 of 1,518,378 alleles (0.00079%); highest among the groups gnomAD compares: East Asian, 0.027%; no homozygotes.

Submission:

Labcorp Genetics (formerly Invitae), Labcorp
Classification: Uncertain significance. Last evaluated: 2024-02-02. Review status: criteria provided, single submitter. Criteria: Invitae Variant Classification Sherloc (09022015). Collection method: clinical testing. Allele origin: germline.
Comment: This sequence change replaces proline, which is neutral and non-polar, with serine, which is neutral and polar, at codon 117 of the DLX6 protein (p.Pro117Ser). The frequency data for this variant in the population databases is considered unreliable, as metrics indicate poor data quality at this position in the gnomAD database. This variant has not been reported in the literature in individuals affected with DLX6-related conditions. An algorithm developed to predict the effect of missense changes on protein structure and function (PolyPhen-2) suggests that this variant is likely to be tolerated. In summary, the available evidence is currently insufficient to determine the role of this variant in disease. Therefore, it has been classified as a Variant of Uncertain Significance.

NM_005222.4(DLX6):c.349C>T (p.Pro117Ser)

Genes: DLX6 (distal-less homeobox 6; plus strand), DLX6-AS1 (DLX6 antisense RNA 1; minus strand), LOC129998836 (ATAC-STARR-seq lymphoblastoid silent region 18385; plus strand). Cytogenetic location: 7q21.3.
Variant type: single nucleotide variant.
Coding change: c.349C>T on transcript NM_005222.4 (MANE Select); coding-DNA position 349, C replaced by T.
Protein change: p.Pro117Ser; replaces proline 117 with serine.
Molecular consequence: missense variant.
Genome position (GRCh38, 1-based): chr7:97,006,326, C>T. VCF-style: chr7-97006326-C-T. GRCh37 (hg19) VCF-style: chr7-96635638-C-T.
Other names: short protein forms P117S.
Identifiers: ClinVar variation 3625175 (VCV003625175.2).